The following is an entry in ClinVar:

ClinVar aggregate classification (germline): Pathogenic (1 of 4 stars; one submission).

Conditions:
DYNC2H1-related disorder. Also called: DYNC2H1-related condition; DYNC2H1-related disorders. Identifiers: MedGen CN378770.

Submission:

PreventionGenetics, part of Exact Sciences
Classification: Pathogenic for DYNC2H1-related condition. Last evaluated: 2023-07-14. Review status: criteria provided, single submitter. Criteria: ACMG Guidelines, 2015. Collection method: clinical testing. Allele origin: germline.
Comment: The DYNC2H1 c.8312-2A>G variant is predicted to disrupt the AG splice acceptor site and interfere with normal splicing. To our knowledge, this variant has not been reported in the literature or in a large population database, indicating this variant is rare. Variants that disrupt the consensus splice acceptor site in DYNC2H1 are expected to be pathogenic. This variant is interpreted as pathogenic.

NM_001377.3(DYNC2H1):c.8312-2A>G

Gene: DYNC2H1 (dynein cytoplasmic 2 heavy chain 1; plus strand). Cytogenetic location: 11q22.3.
Variant type: single nucleotide variant.
Coding change: c.8312-2A>G on transcript NM_001377.3 (MANE Select); the canonical splice acceptor site of the intron before coding-DNA position 8312, A replaced by G.
Molecular consequence: splice acceptor variant.
Genome position (GRCh38, 1-based): chr11:103,204,820, A>G. VCF-style: chr11-103204820-A-G. GRCh37 (hg19) VCF-style: chr11-103075549-A-G.
Other names: c.8312-2A>G (NM_001080463.2).
Identifiers: ClinVar variation 2631381 (VCV002631381.1), dbSNP rs2496377313, ClinGen allele CA382258000.
Genomic context (GRCh38, chr11:103,204,820, plus strand): 5'-CTCTTTAACCCAGACCACGTATAGATTGCCTGATTGTATTATTATTCTTATATATTTCTT[A>G]GGAATTCAGCAAAACTTGCATATTGTCTTGATAATGGATTCTGCAAATTCAAACTTCATG-3'